The following is an entry in ClinVar:

ClinVar aggregate classification (germline): Uncertain significance (1 of 4 stars; one submission).

Conditions:
Autosomal dominant nonsyndromic hearing loss 1. Also called: DEAFNESS, AUTOSOMAL DOMINANT 1, WITH OR WITHOUT THROMBOCYTOPENIA; KONIGSMARK SYNDROME. Identifiers: Orphanet 90635, MedGen C1852282, MONDO:0007424, OMIM 124900.
Progressive microcephaly-seizures-cortical blindness-developmental delay syndrome. Also called: Seizures, cortical blindness, and microcephaly syndrome. Identifiers: Orphanet 477814, MedGen C5567650, MONDO:0014714, OMIM 616632.

Allele frequency attached by ClinVar (database versions not stated): TOPMed 0.00002; gnomAD 0.00004.
gnomAD v4.1: 8 of 1,554,926 alleles (0.00051%); highest among the groups gnomAD compares: Admixed American, 0.016%; no homozygotes.

Submission:

Labcorp Genetics (formerly Invitae), Labcorp
Classification: Uncertain significance for Progressive microcephaly-seizures-cortical blindness-developmental delay syndrome; Autosomal dominant nonsyndromic hearing loss 1. Last evaluated: 2022-07-30. Review status: criteria provided, single submitter. Criteria: Invitae Variant Classification Sherloc (09022015). Collection method: clinical testing. Allele origin: germline.
Comment: This sequence change replaces proline, which is neutral and non-polar, with leucine, which is neutral and non-polar, at codon 614 of the DIAPH1 protein (p.Pro614Leu). The frequency data for this variant in the population databases is considered unreliable, as metrics indicate poor data quality at this position in the gnomAD database. This variant has not been reported in the literature in individuals affected with DIAPH1-related conditions. Algorithms developed to predict the effect of missense changes on protein structure and function output the following: SIFT: "Deleterious"; PolyPhen-2: "Not Available"; Align-GVGD: "Class C0". The leucine amino acid residue is found in multiple mammalian species, which suggests that this missense change does not adversely affect protein function. In summary, the available evidence is currently insufficient to determine the role of this variant in disease. Therefore, it has been classified as a Variant of Uncertain Significance.

NM_005219.5(DIAPH1):c.1841C>T (p.Pro614Leu)

Gene: DIAPH1 (diaphanous related formin 1; minus strand). Cytogenetic location: 5q31.3.
Variant type: single nucleotide variant.
Coding change: c.1841C>T on transcript NM_005219.5 (MANE Select); coding-DNA position 1841, C replaced by T.
Protein change: p.Pro614Leu; replaces proline 614 with leucine.
Molecular consequence: missense variant.
Genome position (GRCh38, 1-based): chr5:141,574,009, G>A on the plus strand (C>T on the coding strand, the complement: DIAPH1 is on the minus strand). VCF-style: chr5-141574009-G-A. GRCh37 (hg19) VCF-style: chr5-140953576-G-A.
Other names: c.1814C>T, p.Pro605Leu (NM_001079812.3); c.1841C>T, p.Pro614Leu (NM_001314007.2); short protein forms P605L, P614L.
Identifiers: ClinVar variation 1714457 (VCV001714457.6), dbSNP rs1385183566, ClinGen allele CA361520723.